The following is an entry in ClinVar:

NM_005718.5(ARPC4):c.466C>T (p.Arg156Cys)

Genes: ARPC4 (actin related protein 2/3 complex subunit 4; plus strand), ARPC4-TTLL3 (ARPC4-TTLL3 readthrough; plus strand). Cytogenetic location: 3p25.3.
Variant type: single nucleotide variant.
Coding change: c.466C>T on transcript NM_005718.5 (MANE Select); coding-DNA position 466, C replaced by T.
Protein change: p.Arg156Cys; replaces arginine 156 with cysteine.
Molecular consequence: missense variant. On other transcripts: intron variant (1).
Genome position (GRCh38, 1-based): chr3:9,803,978, C>T. VCF-style: chr3-9803978-C-T. GRCh37 (hg19) VCF-style: chr3-9845662-C-T.
Other names: c.196C>T, p.Arg66Cys (NM_001024959.3, NM_001024960.3); c.523C>T, p.Arg175Cys (NM_001198780.3); c.330+2222C>T (NM_001198793.1); short protein forms R156C, R175C, R66C.
Identifiers: ClinVar variation 4527331 (VCV004527331.1).

ClinVar aggregate classification (germline): Uncertain significance (1 of 4 stars; one submission).

Submission:

GeneDx
Classification: Uncertain significance. Last evaluated: 2025-04-23. Review status: criteria provided, single submitter. Criteria: GeneDx Variant Classification Process June 2021. Collection method: clinical testing. Allele origin: germline. Affected: yes.
Comment: Not observed at significant frequency in large population cohorts (gnomAD); In silico analysis supports that this missense variant has a deleterious effect on protein structure/function; Has not been previously published as pathogenic or benign to our knowledge